The following is an entry in ClinVar:

ClinVar aggregate classification (germline): Uncertain significance (1 of 4 stars; one submission).

Submission:

Labcorp Genetics (formerly Invitae), Labcorp
Classification: Uncertain significance. Last evaluated: 2022-03-18. Review status: criteria provided, single submitter. Criteria: Invitae Variant Classification Sherloc (09022015). Collection method: clinical testing. Allele origin: germline.
Comment: Algorithms developed to predict the effect of missense changes on protein structure and function are either unavailable or do not agree on the potential impact of this missense change (SIFT: "Deleterious"; PolyPhen-2: "Possibly Damaging"; Align-GVGD: "Class C0"). This sequence change replaces valine, which is neutral and non-polar, with phenylalanine, which is neutral and non-polar, at codon 197 of the SLC1A2 protein (p.Val197Phe). This variant is not present in population databases (gnomAD no frequency). This variant has not been reported in the literature in individuals affected with SLC1A2-related conditions. In summary, the available evidence is currently insufficient to determine the role of this variant in disease. Therefore, it has been classified as a Variant of Uncertain Significance.

NM_004171.4(SLC1A2):c.589G>T (p.Val197Phe)

Gene: SLC1A2 (solute carrier family 1 member 2; minus strand). Cytogenetic location: 11p13.
Variant type: single nucleotide variant.
Coding change: c.589G>T on transcript NM_004171.4 (MANE Select); coding-DNA position 589, G replaced by T.
Protein change: p.Val197Phe; replaces valine 197 with phenylalanine.
Molecular consequence: missense variant.
Genome position (GRCh38, 1-based): chr11:35,306,215, C>A on the plus strand (G>T on the coding strand, the complement: SLC1A2 is on the minus strand). VCF-style: chr11-35306215-C-A. GRCh37 (hg19) VCF-style: chr11-35327762-C-A.
Other names: c.562G>T, p.Val188Phe (NM_001195728.3, NM_001252652.2); short protein forms V188F, V197F.
Identifiers: ClinVar variation 2113407 (VCV002113407.4), dbSNP rs2497860560, ClinGen allele CA380127977.
Genomic context (GRCh38, chr11:35,306,215, plus strand): 5'-CGTTCAACAGAGAGACAACAGCGCTGGTTGCGTTGGCCTCCTCGTCCGGCGGTGGTGCAA[C>A]CAGGACTTTCTTCGTCACTGTTTGAATCTAACAGAGTGAGGGAAAAAAGGCATAGAGCTG-3'
Protein context (NP_004162.2, residues 187-207): QIQTVTKKVL[Val197Phe]APPPDEEANA